The following is an entry in ClinVar:

ClinVar aggregate classification (germline): Pathogenic (1 of 4 stars; one submission).

Conditions:
X-linked intellectual disability, Cantagrel type (XLID98). Also called: INTELLECTUAL DEVELOPMENTAL DISORDER, X-LINKED 98. Identifiers: Orphanet 85277, MedGen C3806730, MONDO:0010483, OMIM 300912.

Submission:

MVZ Medizinische Genetik Mainz
Classification: Pathogenic for X-linked intellectual disability, Cantagrel type. Last evaluated: 2022-12-12. Review status: criteria provided, single submitter. Criteria: UK Practice Guidelines For Variant Classification V4 01 2020. Collection method: clinical testing. Allele origin: germline. Inheritance: X-linked dominant inheritance. Affected: yes. Observed: 1 variant allele.
Comment: ACMG Criteria: PVS1, PM6_SUP, PM2_SUP

NM_001008537.3(NEXMIF):c.2506del (p.His836fs)

Gene: NEXMIF (neurite extension and migration factor; minus strand). Cytogenetic location: Xq13.3.
Variant type: Deletion.
Coding change: c.2506del on transcript NM_001008537.3 (MANE Select); coding-DNA position 2506, one base deleted (C; older notation c.2506delC).
Protein change: p.His836fs; shifts the reading frame from histidine 836.
Molecular consequence: frameshift variant.
Genome position (GRCh38, 1-based): chrX:74,742,051, G deleted on the plus strand (C on the coding strand, the reverse complement: NEXMIF is on the minus strand); the first of 2 consecutive G bases (chrX:74,742,051-74,742,052); deleting either gives the same sequence. VCF-style (leftmost placement, unchanged base first): chrX-74742050-TG-T. GRCh37 (hg19) VCF-style: chrX-73961885-TG-T.
Other names: short protein forms H836fs.
Identifiers: ClinVar variation 3066177 (VCV003066177.1), dbSNP rs2519913802, ClinGen allele CA2740097968.
Genomic context (GRCh38, chrX:74,742,050, plus strand): 5'-TGGAGGGGTACAAATGATTTTTCGGTTTGAGTGAGGCTGCCTTCATTTTGCTCTGGAGAA[TG>T]GTGGCTGAAGTATGAGATACTAGTGTTATTTGACAAGTCAGAAGCATCTAACAATGTCTG-3'